The following is an entry in ClinVar:

ClinVar aggregate classification (germline): Conflicting classifications of pathogenicity. Review status: criteria provided, conflicting classifications (1 of 4 stars). 2 submissions from 2 submitters: Uncertain significance (1); Likely benign (1). Last evaluated 2025-05-22.

Allele frequency attached by ClinVar (database versions not stated): gnomAD 0.00013; 1000 Genomes Project 30x 0.00016; 1000 Genomes Project 0.00020; ESP Exome Variant Server 0.00015; ExAC 0.00005; TOPMed 0.00010.
gnomAD v4.1: 75 of 1,614,074 alleles (0.0046%); highest among the groups gnomAD compares: Middle Eastern, 0.45%; no homozygotes.

Submissions (2):

Labcorp Genetics (formerly Invitae), Labcorp
Classification: Uncertain significance. Last evaluated: 2025-05-22. Review status: criteria provided, single submitter. Criteria: Invitae Variant Classification Sherloc (09022015). Collection method: clinical testing. Allele origin: germline.
Comment: This sequence change replaces arginine, which is basic and polar, with glutamine, which is neutral and polar, at codon 442 of the LIPG protein (p.Arg442Gln). This variant is present in population databases (rs372872369, gnomAD 0.03%). This variant has not been reported in the literature in individuals affected with LIPG-related conditions. ClinVar contains an entry for this variant (Variation ID: 3119069). An algorithm developed to predict the effect of missense changes on protein structure and function outputs the following: PolyPhen-2: "Benign". The glutamine amino acid residue is found in multiple mammalian species, which suggests that this missense change does not adversely affect protein function. In summary, the available evidence is currently insufficient to determine the role of this variant in disease. Therefore, it has been classified as a Variant of Uncertain Significance.

Ambry Genetics
Classification: Likely benign. Last evaluated: 2024-01-03. Review status: criteria provided, single submitter. Criteria: Ambry Variant Classification Scheme 2023. Collection method: clinical testing. Allele origin: germline.

NM_006033.4(LIPG):c.1325G>A (p.Arg442Gln)

Gene: LIPG (lipase G, endothelial type; plus strand). Cytogenetic location: 18q21.1.
Variant type: single nucleotide variant.
Coding change: c.1325G>A on transcript NM_006033.4 (MANE Select); coding-DNA position 1325, G replaced by A.
Protein change: p.Arg442Gln; replaces arginine 442 with glutamine.
Molecular consequence: missense variant.
Genome position (GRCh38, 1-based): chr18:49,583,723, G>A. VCF-style: chr18-49583723-G-A. GRCh37 (hg19) VCF-style: chr18-47110093-G-A.
Other names: c.1103G>A, p.Arg368Gln (NM_001308006.2); short protein forms R442Q, R368Q.
Identifiers: ClinVar variation 3119069 (VCV003119069.3), dbSNP rs372872369, ClinGen allele CA8959360.
Genomic context (GRCh38, chr18:49,583,723, plus strand): 5'-CTTGGTACAACCTGTGGAAGGAGTTTCGCAGCTACCTGTCTCAACCCCGCAACCCCGGAC[G>A]GGAGCTGAATATCAGGCGCATCCGGGTGAAGTCTGGGGAAACCCAGCGGAAGTAAGTGCC-3'
Protein context (NP_006024.1, residues 432-452): SYLSQPRNPG[Arg442Gln]ELNIRRIRVK